The following is an entry in ClinVar:

NM_024422.6(DSC2):c.1658A>G (p.Asp553Gly)

Gene: DSC2 (desmocollin 2; minus strand). Cytogenetic location: 18q12.1.
Variant type: single nucleotide variant.
Coding change: c.1658A>G on transcript NM_024422.6 (MANE Select); coding-DNA position 1658, A replaced by G.
Protein change: p.Asp553Gly; replaces aspartic acid 553 with glycine.
Molecular consequence: missense variant.
Genome position (GRCh38, 1-based): chr18:31,079,852, T>C on the plus strand (A>G on the coding strand, the complement: DSC2 is on the minus strand). VCF-style: chr18-31079852-T-C. GRCh37 (hg19) VCF-style: chr18-28659818-T-C.
Other names: c.1229A>G, p.Asp410Gly (NM_001406506.1, NM_001406507.1); c.1658A>G, p.Asp553Gly (NM_004949.5); short protein forms D553G, D410G.
Identifiers: ClinVar variation 2084879 (VCV002084879.4), dbSNP rs771726792, ClinGen allele CA032479.
Genomic context (GRCh38, chr18:31,079,852, plus strand): 5'-CTGAAGATGTATGTAGCCAAGGAAGTATGTAGCTGGCTTAAAGACAAATTCTTACCTTGG[T>C]CTGATGCAAGGACTGTAATATTATATATGCCATTTTTGATGGTCTCTGCCTCTCTATCCA-3'
Protein context (NP_077740.1, residues 543-563): GIYNITVLAS[Asp553Gly]QGGRTCTGTL

ClinVar aggregate classification (germline): Uncertain significance (1 of 4 stars; one submission).

Conditions:
Arrhythmogenic right ventricular dysplasia 11. Also called: Arrhythmogenic right ventricular dysplasia 11 with mild palmoplantar keratoderma and woolly hair; Arrhythmogenic Right Ventricular Dysplasia/Cardiomyopathy11; ARRHYTHMOGENIC RIGHT VENTRICULAR DYSPLASIA, FAMILIAL, 11. Identifiers: MedGen C1864850, MONDO:0012506, OMIM 610476.

Allele frequency attached by ClinVar (database versions not stated): ExAC 0.00001.
gnomAD v4.1: 1 of 1,613,938 alleles (0.000062%); no homozygotes.

Submission:

Labcorp Genetics (formerly Invitae), Labcorp
Classification: Uncertain significance for Arrhythmogenic right ventricular dysplasia 11. Last evaluated: 2023-10-18. Review status: criteria provided, single submitter. Criteria: Invitae Variant Classification Sherloc (09022015). Collection method: clinical testing. Allele origin: germline.
Comment: This sequence change replaces aspartic acid, which is acidic and polar, with glycine, which is neutral and non-polar, at codon 553 of the DSC2 protein (p.Asp553Gly). This variant is present in population databases (rs771726792, gnomAD 0.0009%). This variant has not been reported in the literature in individuals affected with DSC2-related conditions. ClinVar contains an entry for this variant (Variation ID: 2084879). Advanced modeling of protein sequence and biophysical properties (such as structural, functional, and spatial information, amino acid conservation, physicochemical variation, residue mobility, and thermodynamic stability) performed at Invitae indicates that this missense variant is expected to disrupt DSC2 protein function. In summary, the available evidence is currently insufficient to determine the role of this variant in disease. Therefore, it has been classified as a Variant of Uncertain Significance.